The following is an entry in ClinVar:

NM_020366.4(RPGRIP1):c.1692A>G (p.Leu564=)

Gene: RPGRIP1 (RPGR interacting protein 1; plus strand). Cytogenetic location: 14q11.2.
Variant type: single nucleotide variant.
Coding change: c.1692A>G on transcript NM_020366.4 (MANE Select); coding-DNA position 1692, A replaced by G.
Protein change: p.Leu564=; no amino-acid change (leucine 564 retained).
Molecular consequence: synonymous variant.
Genome position (GRCh38, 1-based): chr14:21,321,934, A>G. VCF-style: chr14-21321934-A-G. GRCh37 (hg19) VCF-style: chr14-21790093-A-G.
Other names: c.618A>G, p.Leu206= (NM_001377523.1, NM_001377948.1, NM_001377949.1 and 1 more transcripts); c.120A>G, p.Leu40= (NM_001377951.1).
Identifiers: ClinVar variation 2644058 (VCV002644058.25), dbSNP rs1322527037, ClinGen allele CA484994518.

ClinVar aggregate classification (germline): Likely benign. Review status: criteria provided, multiple submitters, no conflicts (2 of 4 stars). 2 submissions from 2 submitters: Likely benign (2). Last evaluated 2026-01-27.

Conditions:
Leber congenital amaurosis 6 (LCA6). Identifiers: Orphanet 65, MedGen C1854260, MONDO:0013446, OMIM 613826.
Cone-rod dystrophy 13 (CORD13). Identifiers: Orphanet 1872, MedGen C2750720, MONDO:0011987, OMIM 608194.

Allele frequency attached by ClinVar (database versions not stated): gnomAD exomes 0.00001.
gnomAD v4.1: 10 of 1,613,722 alleles (0.00062%); highest among the groups gnomAD compares: South Asian, 0.0088%; no homozygotes.

Submissions (2):

Labcorp Genetics (formerly Invitae), Labcorp
Classification: Likely benign for Leber congenital amaurosis 6; Cone-rod dystrophy 13. Last evaluated: 2026-01-27. Review status: criteria provided, single submitter. Criteria: Invitae Variant Classification Sherloc (09022015). Collection method: clinical testing. Allele origin: germline.

CeGaT Center for Human Genetics Tuebingen
Classification: Likely benign. Last evaluated: 2022-09-01. Review status: criteria provided, single submitter. Criteria: CeGaT Center For Human Genetics Tuebingen Variant Classification Criteria Version 2. Collection method: clinical testing. Allele origin: germline. Affected: yes. Observed: 1 variant allele.
Comment: RPGRIP1: BP4, BP7